The following is an entry in ClinVar:

ClinVar aggregate classification (germline): Uncertain significance. Review status: criteria provided, multiple submitters, no conflicts (2 of 4 stars). 2 submissions from 2 submitters: Uncertain significance (2). Last evaluated 2024-04-29.

Conditions:
Hereditary cancer-predisposing syndrome. Also called: Hereditary Cancer Syndrome; Neoplastic Syndromes, Hereditary; Tumor predisposition; Hereditary neoplastic syndrome. Identifiers: Orphanet 140162, MedGen C0027672, MeSH D009386, MONDO:0015356.
Hereditary nonpolyposis colorectal neoplasms. Identifiers: MedGen C0009405, MeSH D003123.

Submissions (2):

Labcorp Genetics (formerly Invitae), Labcorp
Classification: Uncertain significance for Hereditary nonpolyposis colorectal neoplasms. Last evaluated: 2024-04-29. Review status: criteria provided, single submitter. Criteria: Invitae Variant Classification Sherloc (09022015). Collection method: clinical testing. Allele origin: germline.
Comment: This sequence change replaces lysine, which is basic and polar, with threonine, which is neutral and polar, at codon 771 of the MSH6 protein (p.Lys771Thr). This variant is not present in population databases (gnomAD no frequency). This variant has not been reported in the literature in individuals affected with MSH6-related conditions. ClinVar contains an entry for this variant (Variation ID: 479919). Advanced modeling of protein sequence and biophysical properties (such as structural, functional, and spatial information, amino acid conservation, physicochemical variation, residue mobility, and thermodynamic stability) has been performed at Invitae for this missense variant, however the output from this modeling did not meet the statistical confidence thresholds required to predict the impact of this variant on MSH6 protein function. In summary, the available evidence is currently insufficient to determine the role of this variant in disease. Therefore, it has been classified as a Variant of Uncertain Significance.

Ambry Genetics
Classification: Uncertain significance for Hereditary cancer-predisposing syndrome. Last evaluated: 2023-01-20. Review status: criteria provided, single submitter. Criteria: Ambry Variant Classification Scheme 2023. Collection method: clinical testing. Allele origin: germline.
Comment: The p.K771T variant (also known as c.2312A>C), located in coding exon 4 of the MSH6 gene, results from an A to C substitution at nucleotide position 2312. The lysine at codon 771 is replaced by threonine, an amino acid with similar properties. This amino acid position is well conserved in available vertebrate species. In addition, this alteration is predicted to be deleterious by in silico analysis. Since supporting evidence is limited at this time, the clinical significance of this alteration remains unclear.

NM_000179.3(MSH6):c.2312A>C (p.Lys771Thr)

Gene: MSH6 (mutS homolog 6; plus strand). Cytogenetic location: 2p16.3.
Variant type: single nucleotide variant.
Coding change: c.2312A>C on transcript NM_000179.3 (MANE Select); coding-DNA position 2312, A replaced by C.
Protein change: p.Lys771Thr; replaces lysine 771 with threonine.
Molecular consequence: missense variant.
Genome position (GRCh38, 1-based): chr2:47,800,295, A>C. VCF-style: chr2-47800295-A-C. GRCh37 (hg19) VCF-style: chr2-48027434-A-C.
Other names: c.1922A>C, p.Lys641Thr (NM_001281492.2); c.1406A>C, p.Lys469Thr (NM_001281493.2, NM_001281494.2); short protein forms K771T, K641T, K469T.
Identifiers: ClinVar variation 479919 (VCV000479919.14), dbSNP rs864622586, ClinGen allele CA346753136.